The following is an entry in ClinVar:

NM_001905.4(CTPS1):c.1066G>A (p.Glu356Lys)

Gene: CTPS1 (CTP synthase 1; plus strand). Cytogenetic location: 1p34.2.
Variant type: single nucleotide variant.
Coding change: c.1066G>A on transcript NM_001905.4 (MANE Select); coding-DNA position 1066, G replaced by A.
Protein change: p.Glu356Lys; replaces glutamic acid 356 with lysine.
Molecular consequence: missense variant. On other transcripts: non-coding transcript variant (1).
Genome position (GRCh38, 1-based): chr1:41,001,089, G>A. VCF-style: chr1-41001089-G-A. GRCh37 (hg19) VCF-style: chr1-41466761-G-A.
Other names: c.598G>A, p.Glu200Lys (NM_001301237.2); short protein forms E356K, E200K.
Identifiers: ClinVar variation 3837263 (VCV003837263.2).

ClinVar aggregate classification (germline): Uncertain significance. Review status: criteria provided, multiple submitters, no conflicts (2 of 4 stars). 2 submissions from 2 submitters: Uncertain significance (2). Last evaluated 2025-10-03.

Conditions:
Combined immunodeficiency due to CTPS1 deficiency. Also called: Immunodeficiency 24; Severe combined immunodeficiency due to CTPS1 deficiency. Identifiers: Orphanet 420573, MedGen C4014617, MONDO:0014391, OMIM 615897.

gnomAD v4.1: 1 of 1,612,252 alleles (0.000062%); highest among the groups gnomAD compares: South Asian, 0.0011%; no homozygotes.

Submissions (2):

Labcorp Genetics (formerly Invitae), Labcorp
Classification: Uncertain significance for Combined immunodeficiency due to CTPS1 deficiency. Last evaluated: 2025-10-03. Review status: criteria provided, single submitter. Criteria: Invitae Variant Classification Sherloc (09022015). Collection method: clinical testing. Allele origin: germline.
Comment: This sequence change replaces glutamic acid, which is acidic and polar, with lysine, which is basic and polar, at codon 356 of the CTPS1 protein (p.Glu356Lys). This variant is not present in population databases (gnomAD no frequency). This variant has not been reported in the literature in individuals affected with CTPS1-related conditions. ClinVar contains an entry for this variant (Variation ID: 3837263). An algorithm developed to predict the effect of missense changes on protein structure and function (PolyPhen-2) suggests that this variant is likely to be tolerated. In summary, the available evidence is currently insufficient to determine the role of this variant in disease. Therefore, it has been classified as a Variant of Uncertain Significance.

Ambry Genetics
Classification: Uncertain significance. Last evaluated: 2025-02-22. Review status: criteria provided, single submitter. Criteria: Ambry Variant Classification Scheme 2023. Collection method: clinical testing. Allele origin: germline.